The following is an entry in ClinVar:

NM_014225.6(PPP2R1A):c.1192C>T (p.Arg398Trp)

Gene: PPP2R1A (protein phosphatase 2 scaffold subunit Aalpha; plus strand). Cytogenetic location: 19q13.41.
Variant type: single nucleotide variant.
Coding change: c.1192C>T on transcript NM_014225.6 (MANE Select); coding-DNA position 1192, C replaced by T.
Protein change: p.Arg398Trp; replaces arginine 398 with tryptophan.
Molecular consequence: missense variant. On other transcripts: non-coding transcript variant (1).
Genome position (GRCh38, 1-based): chr19:52,219,754, C>T. VCF-style: chr19-52219754-C-T. GRCh37 (hg19) VCF-style: chr19-52723007-C-T.
Other names: c.655C>T, p.Arg219Trp (NM_001363656.2); short protein forms R219W, R398W.
Identifiers: ClinVar variation 2430615 (VCV002430615.1), dbSNP rs1170466801, ClinGen allele CA407189313.

ClinVar aggregate classification (germline): Uncertain significance (1 of 4 stars; one submission).

Allele frequency attached by ClinVar (database versions not stated): TOPMed below 0.00001; gnomAD 0.00001; gnomAD exomes 0.00001.
gnomAD v4.1: 8 of 1,613,962 alleles (0.0005%); highest among the groups gnomAD compares: Non-Finnish European, 0.00068%; no homozygotes.

Submission:

GeneDx
Classification: Uncertain significance. Last evaluated: 2023-02-10. Review status: criteria provided, single submitter. Criteria: GeneDx Variant Classification Process June 2021. Collection method: clinical testing. Allele origin: germline. Affected: yes.
Comment: Not observed at significant frequency in large population cohorts (gnomAD); In silico analysis supports that this missense variant has a deleterious effect on protein structure/function; Has not been previously published as pathogenic or benign to our knowledge; This variant is associated with the following publications: (PMID: 27535533)